The following is an entry in ClinVar:

NM_032119.4(ADGRV1):c.11411G>A (p.Arg3804Gln)

Gene: ADGRV1 (adhesion G protein-coupled receptor V1; plus strand). Cytogenetic location: 5q14.3.
Variant type: single nucleotide variant.
Coding change: c.11411G>A on transcript NM_032119.4 (MANE Select); coding-DNA position 11411, G replaced by A.
Protein change: p.Arg3804Gln; replaces arginine 3804 with glutamine.
Molecular consequence: missense variant. On other transcripts: non-coding transcript variant (1).
Genome position (GRCh38, 1-based): chr5:90,755,016, G>A. VCF-style: chr5-90755016-G-A. GRCh37 (hg19) VCF-style: chr5-90050833-G-A.
Other names: short protein forms R3804Q.
Identifiers: ClinVar variation 228704 (VCV000228704.6), dbSNP rs876657817, ClinGen allele CA10576667.

ClinVar aggregate classification (germline): Uncertain significance. Review status: criteria provided, multiple submitters, no conflicts (2 of 4 stars). 3 submissions from 3 submitters: Uncertain significance (3). Last evaluated 2025-02-10.

Allele frequency attached by ClinVar (database versions not stated): gnomAD exomes below 0.00001; TOPMed below 0.00001; gnomAD 0.00001.

Submissions (3):

Women's Health and Genetics/Laboratory Corporation of America, LabCorp
Classification: Uncertain significance. Last evaluated: 2025-02-10. Review status: criteria provided, single submitter. Criteria: LabCorp Variant Classification Summary - May 2015. Collection method: clinical testing. Allele origin: germline.
Comment: Variant summary: ADGRV1 c.11411G>A (p.Arg3804Gln) results in a conservative amino acid change in the encoded protein sequence. Three of five in-silico tools predict a damaging effect of the variant on protein function. The variant was absent in 248926 control chromosomes. The available data on variant occurrences in the general population are insufficient to allow any conclusion about variant significance. c.11411G>A has been reported in the literature in two siblings from a family affected with hearing loss, without strong evidence for causality (Wu_2020). These report(s) do not provide unequivocal conclusions about association of the variant with Usher Syndrome. To our knowledge, no experimental evidence demonstrating an impact on protein function has been reported. The following publication has been ascertained in the context of this evaluation (PMID: 32048449). ClinVar contains an entry for this variant (Variation ID: 228704). Based on the evidence outlined above, the variant was classified as uncertain significance.

Labcorp Genetics (formerly Invitae), Labcorp
Classification: Uncertain significance. Last evaluated: 2024-03-26. Review status: criteria provided, single submitter. Criteria: Invitae Variant Classification Sherloc (09022015). Collection method: clinical testing. Allele origin: germline.
Comment: This sequence change replaces arginine, which is basic and polar, with glutamine, which is neutral and polar, at codon 3804 of the ADGRV1 protein (p.Arg3804Gln). This variant is present in population databases (no rsID available, gnomAD 0.007%). This missense change has been observed in individual(s) with nonsyndromic deafness (PMID: 32048449). ClinVar contains an entry for this variant (Variation ID: 228704). Advanced modeling of protein sequence and biophysical properties (such as structural, functional, and spatial information, amino acid conservation, physicochemical variation, residue mobility, and thermodynamic stability) has been performed at Invitae for this missense variant, however the output from this modeling did not meet the statistical confidence thresholds required to predict the impact of this variant on ADGRV1 protein function. In summary, the available evidence is currently insufficient to determine the role of this variant in disease. Therefore, it has been classified as a Variant of Uncertain Significance.

Laboratory for Molecular Medicine, Mass General Brigham Personalized Medicine
Classification: Uncertain significance. Last evaluated: 2016-03-14. Review status: criteria provided, single submitter. Criteria: LMM Criteria. Collection method: clinical testing. Allele origin: germline. Observed: 1 variant allele.
Comment: The p.Arg3804Gln variant in GPR98 has not been previously reported in individual s with hearing loss or Usher syndrome and is absent from large population studie s. Computational prediction tools and conservation analyses suggest that the p.A rg3804Gln variant may impact the protein, though this information is not predict ive enough to determine pathogenicity. In summary, the clinical significance of the p.Arg3804Gln variant is uncertain.

Literature cited by the submitters: PubMed 32048449 (cited by Women's Health and Genetics/Laboratory Corporation of America, LabCorp and Labcorp Genetics (formerly Invitae), Labcorp).